The following is an entry in ClinVar:

ClinVar aggregate classification (germline): Uncertain significance (1 of 4 stars; one submission).

Conditions:
Alagille syndrome due to a JAG1 point mutation. Also called: Alagille Syndrome 1; HEPATIC DUCTULAR HYPOPLASIA, SYNDROMATIC; JAG1-Related Alagille Syndrome. Identifiers: Orphanet 261619, Orphanet 52, MedGen C1956125, MONDO:0016862, OMIM 118450.

Submissions (2):

Labcorp Genetics (formerly Invitae), Labcorp
Classification: Uncertain significance for Alagille syndrome due to a JAG1 point mutation. Last evaluated: 2019-10-26. Review status: criteria provided, single submitter. Criteria: Invitae Variant Classification Sherloc (09022015). Collection method: clinical testing. Allele origin: germline.
Comment: This variant affects a cysteine residue located within an epidermal-growth-factor (EGF)–like domain of the JAG1 protein and has been shown to be involved in the formation of a disulfide bridge (PMID: 15358557). Furthermore, this variant has been reported to affect JAG1 protein function (PMID: 17720887). Algorithms developed to predict the effect of missense changes on protein structure and function do not agree on the potential impact of this missense change (SIFT: "Deleterious"; PolyPhen-2: "Probably Damaging"; Align-GVGD: "Class C0"). This variant has been reported in an individual affected with Alagille syndrome (PMID: 10220506). ClinVar contains an entry for this variant (Variation ID: 536524). This variant is not present in population databases (ExAC no frequency). This sequence change replaces cysteine with phenylalanine at codon 284 of the JAG1 protein (p.Cys284Phe). The cysteine residue is highly conserved and there is a large physicochemical difference between cysteine and phenylalanine. In summary, the available evidence is currently insufficient to determine the role of this variant in disease. Therefore, it has been classified as a Variant of Uncertain Significance.

Gilbert/Spinner Lab, Children's Hospital of Philadelphia
No classification provided (evidence only). Condition: Alagille syndrome. Review status: no classification provided. Collection method: research. Allele origin: not applicable. Functional consequence: functionally_abnormal. Not counted in ClinVar's aggregate classification.
ClinVar note: "not provided" was previously submitted as the classification for the variant. However, the classification appeared to be based only on an observation of functional data so it was converted to no classification on 2025-07-30.

Literature cited by the submitters: PubMed 15358557 (cited by Labcorp Genetics (formerly Invitae), Labcorp); PubMed 17720887 (cited by Labcorp Genetics (formerly Invitae), Labcorp); PubMed 10220506 (cited by Labcorp Genetics (formerly Invitae), Labcorp).

NM_000214.3(JAG1):c.851G>T (p.Cys284Phe)

Gene: JAG1 (jagged canonical Notch ligand 1; minus strand). Cytogenetic location: 20p12.2.
Variant type: single nucleotide variant.
Coding change: c.851G>T on transcript NM_000214.3 (MANE Select); coding-DNA position 851, G replaced by T.
Protein change: p.Cys284Phe; replaces cysteine 284 with phenylalanine.
Molecular consequence: missense variant.
Genome position (GRCh38, 1-based): chr20:10,652,503, C>A on the plus strand (G>T on the coding strand, the complement: JAG1 is on the minus strand). VCF-style: chr20-10652503-C-A. GRCh37 (hg19) VCF-style: chr20-10633151-C-A.
Other names: c.851G>T, p.Cys284Phe (LRG_1191t1); short protein forms C284F.
Identifiers: ClinVar variation 536524 (VCV000536524.12), dbSNP rs1555829067, ClinGen allele CA408239270.
Genomic context (GRCh38, chr20:10,652,503, plus strand): 5'-TGGGTCTCATCCCTAAGGGCCATACCTTTGTCACAGAGCTGGCCGCCCCAGTTGGTCTCA[C>A]AGAGGCACTGCCAGGGCTCATTACAGATGCCGTGGACGCATCCCGGGTGTGGGATGCACT-3'
Protein context (NP_000205.1, residues 274-294): GICNEPWQCL[Cys284Phe]ETNWGGQLCD